The following is an entry in ClinVar:

NM_002693.3(POLG):c.1712+72dup

Gene: POLG (DNA polymerase gamma, catalytic subunit; minus strand). Cytogenetic location: 15q26.1.
Variant type: Duplication.
Coding change: c.1712+72dup on transcript NM_002693.3 (MANE Select); 72 bases into the intron after coding-DNA position 1712, one base duplicated (G; older notation c.1712+72dupG).
Molecular consequence: intron variant.
Genome position (GRCh38, 1-based): chr15:89,326,538, C duplicated on the plus strand (G on the coding strand, the reverse complement: POLG is on the minus strand); the first of 3 consecutive C bases (chr15:89,326,538-89,326,540); duplicating any one gives the same sequence. VCF-style (leftmost placement, unchanged base first): chr15-89326537-A-AC. GRCh37 (hg19) VCF-style: chr15-89869768-A-AC.
Other names: c.1712+72dup (NM_001126131.2).
Identifiers: ClinVar variation 1251136 (VCV001251136.4), dbSNP rs3176183, ClinGen allele CA274555491.

ClinVar aggregate classification (germline): Benign. Review status: criteria provided, multiple submitters, no conflicts (2 of 4 stars). 2 submissions from 2 submitters: Benign (2). Last evaluated 2024-07-15.

Submissions (2):

Unidad de Genómica Garrahan, Hospital de Pediatría Garrahan
Classification: Benign. Last evaluated: 2024-07-15. Review status: criteria provided, single submitter. Criteria: ACMG Guidelines, 2015. Collection method: clinical testing. Allele origin: germline. Affected: no. Observed: 33 variant alleles.
Comment: This variant is classified as Benign based on local population frequency. This variant was detected in 35% of patients studied in a panel designed for Epileptic and Developmental Encephalopathy and Progressive Myoclonus Epilepsy. Number of patients: 33. Only high quality variants are reported.

GeneDx
Classification: Benign. Last evaluated: 2015-03-03. Review status: criteria provided, single submitter. Criteria: GeneDx Variant Classification Process June 2021. Collection method: clinical testing. Allele origin: germline. Affected: yes.